The following is an entry in ClinVar:

ClinVar aggregate classification (germline): Likely benign. Review status: criteria provided, multiple submitters, no conflicts (2 of 4 stars). 2 submissions from 2 submitters: Likely benign (2). Last evaluated 2025-12-22.

Conditions:
PKD1-related disorder. Also called: PKD1-related condition.

gnomAD v4.1: 17 of 1,608,320 alleles (0.0011%); highest among the groups gnomAD compares: African/African-American, 0.0013%; no homozygotes.

Submissions (2):

PreventionGenetics, part of Exact Sciences
Classification: Likely benign for PKD1-related condition. Last evaluated: 2025-12-22. Review status: criteria provided, single submitter. Criteria: ACMG Guidelines, 2015. Collection method: clinical testing. Allele origin: germline.
Comment: This variant is classified as likely benign based on ACMG/AMP sequence variant interpretation guidelines (Richards et al. 2015 PMID: 25741868, with internal and published modifications).

Mayo Clinic Laboratories, Mayo Clinic
Classification: Likely benign. Last evaluated: 2025-05-21. Review status: criteria provided, single submitter. Criteria: ACMG Guidelines, 2015. Collection method: clinical testing. Allele origin: germline. Observed: 1 variant allele.
Comment: BP4, BP7

NM_001009944.3(PKD1):c.12139-3C>T

Gene: PKD1 (polycystin 1, transient receptor potential channel interacting; minus strand). Cytogenetic location: 16p13.3.
Variant type: single nucleotide variant.
Coding change: c.12139-3C>T on transcript NM_001009944.3 (MANE Select); 3 bases into the intron before coding-DNA position 12139, C replaced by T.
Molecular consequence: intron variant.
Genome position (GRCh38, 1-based): chr16:2,090,593, G>A on the plus strand (C>T on the coding strand, the complement: PKD1 is on the minus strand). VCF-style: chr16-2090593-G-A. GRCh37 (hg19) VCF-style: chr16-2140594-G-A.
Other names: p.?; c.12136-3C>T (NM_000296.4); c.12139-3C>T (NM_001009944.2).
Identifiers: ClinVar variation 4684041 (VCV004684041.2).